The following is an entry in ClinVar:

ClinVar aggregate classification (germline): Uncertain significance. Review status: reviewed by expert panel (3 of 4 stars). 2 submissions from 2 submitters: Uncertain significance (1). 1 of the submissions does not count toward it. Last evaluated 2026-01-12.

Conditions:
Open-angle glaucoma. Identifiers: MedGen C0017612, MONDO:0005338, HP:0012108.

Allele frequency attached by ClinVar (database versions not stated): ExAC 0.00009; gnomAD 0.00013 and 0.00012; gnomAD exomes 0.00010 and 0.00006; ESP Exome Variant Server 0.00038; TOPMed 0.00010.
gnomAD v4.1: 164 of 1,614,040 alleles (0.01%); highest among the groups gnomAD compares: Non-Finnish European, 0.014%; no homozygotes.

Submissions (2):

ClinGen Glaucoma Variant Curation Expert Panel
Classification: Uncertain significance for Open-angle glaucoma. Last evaluated: 2026-01-12. Review status: reviewed by expert panel. Criteria: ClinGen Glaucoma ACMG Specifications V2.0.0 Approved. Collection method: curation. Allele origin: germline. Inheritance: Autosomal dominant inheritance.
Comment: The c.1258A>T variant in MYOC is a missense variant predicted to cause substitution of Asparagine by Tyrosine at amino acid 420 (p.Asn420Tyr). The highest minor allele frequency of this variant was in the European (non-Finnish) genetic ancestry group of gnomAD (v4.1.0) = 0.0001356 (160 alleles out of 1,180,024), which did not meet the PM2_Supporting allele frequency threshold (≤ 0.0001) or the BS1 allele frequency threshold (≥ 0.001). The REVEL score = 0.566, which was neither above nor below the thresholds for PP3 (≥ 0.644) or BP4 (≤ 0.290), predicting a damaging or benign impact on MYOC function. The Asn420Tyr protein was assessed in an assay (PMID: 36579626), however, the results of this study were inconsistent and functional evidence was not included. Although a proband with POAG had been reported carrying this variant, PM2_Supporting was not met, therefore PS4 did not apply. In summary, this variant did not meet any criteria, receiving a score of 0 and a classification as a variant of uncertain significance (uncertain significance classification range -1 to 5, adapted from PMID: 32720330) for primary open angle glaucoma based on the ACMG/AMP criteria met, as specified by the ClinGen Glaucoma VCEP (v2.0.0, 5 Dec 2024): none

GeneDx
Classification: Uncertain significance. Last evaluated: 2019-07-10. Review status: criteria provided, single submitter. Criteria: GeneDx Variant Classification Process June 2021. Collection method: clinical testing. Allele origin: germline. Affected: yes. Not counted in ClinVar's aggregate classification.
Comment: In silico analysis, which includes protein predictors and evolutionary conservation, supports a deleterious effect; Has not been previously published as pathogenic or benign to our knowledge

NM_000261.2(MYOC):c.1258A>T (p.Asn420Tyr)

Gene: MYOC (myocilin; minus strand). Cytogenetic location: 1q24.3.
Variant type: single nucleotide variant.
Coding change: c.1258A>T on transcript NM_000261.2 (MANE Select); coding-DNA position 1258, A replaced by T.
Protein change: p.Asn420Tyr; replaces asparagine 420 with tyrosine.
Molecular consequence: missense variant.
Genome position (GRCh38, 1-based): chr1:171,636,182, T>A on the plus strand (A>T on the coding strand, the complement: MYOC is on the minus strand). VCF-style: chr1-171636182-T-A. GRCh37 (hg19) VCF-style: chr1-171605322-T-A.
Other names: NM_000261.2(MYOC):c.1258A>T; p.Asn420Tyr; short protein forms N420Y.
Identifiers: ClinVar variation 1306862 (VCV001306862.3), dbSNP rs150438494, ClinGen allele CA1244054.
Genomic context (GRCh38, chr1:171,636,182, plus strand): 5'-TGACGGTGTACAAGGTGCCACAGATGATGAAGGCATTGGCGACTGACTGCTTACGGATGT[T>A]TGTCTCCCAGGTTTGTTCGAGTTCCAGATTCTCTGGGTTCAGTTTGGAGAGGACAATGGC-3'
Protein context (NP_000252.1, residues 410-430): NLELEQTWET[Asn420Tyr]IRKQSVANAF